The following is an entry in ClinVar:

ClinVar aggregate classification (germline): Pathogenic. Review status: criteria provided, multiple submitters, no conflicts (2 of 4 stars). 4 submissions from 4 submitters: Pathogenic (3). 1 of the submissions does not count toward it. Last evaluated 2024-06-24.

Conditions:
CRYGD-related disorders.
Aculeiform cataract (CTRCT4). Also called: Fasciculiform cataract; Frosted cataract; Needle-shaped cataract. Identifiers: MedGen C1861832, HP:0010926.
Cataract 4 multiple types. Also called: CATARACT 4, PUNCTATE; CATARACT 4, CRYSTALLINE; CATARACT 4, CENTRAL NUCLEAR; CATARACT 4, NONNUCLEAR POLYMORPHIC CONGENITAL; CATARACT 4, ACULEIFORM; CATARACT 4, MULTIPLE TYPES, WITH OR WITHOUT MICROCORNEA. Identifiers: Orphanet 1377, MedGen C3540850, MONDO:0007281, OMIM 115700.

Submissions (4):

Blueprint Genetics
Classification: Pathogenic for CRYGD-related disorders. Last evaluated: 2024-06-24. Review status: criteria provided, single submitter. Criteria: ACMG Guidelines, 2015. Collection method: clinical testing. Allele origin: germline. Affected: yes. Observed: 3 variant alleles.

GeneDx
Classification: Pathogenic. Last evaluated: 2023-03-17. Review status: criteria provided, single submitter. Criteria: GeneDx Variant Classification Process June 2021. Collection method: clinical testing. Allele origin: germline. Affected: yes.
Comment: Published functional studies demonstrate a damaging effect (Pande et al., 2000); Not observed at significant frequency in large population cohorts (gnomAD); This variant has been reported in the published literature using alternate nomenclature R14C; This variant is associated with the following publications: (PMID: 19382745, 19007775, 20577655, 29652984, 18035564, 26732753, 32899552, 21423869, 24384146, 29222017, 10688888, 23954869, 34150533, 19668596, 24465161, 20508808, 16446699, 32148946, 9927684)

Labcorp Genetics (formerly Invitae), Labcorp
Classification: Pathogenic for Aculeiform cataract. Last evaluated: 2021-08-15. Review status: criteria provided, single submitter. Criteria: Invitae Variant Classification Sherloc (09022015). Collection method: clinical testing. Allele origin: germline.
Comment: For these reasons, this variant has been classified as Pathogenic. This variant disrupts the p.Arg15 amino acid residue in CRYGD. Other variant(s) that disrupt this residue have been observed in individuals with CRYGD-related conditions (PMID: 19668596, 28450710), suggesting that it is a clinically significant residue. As a result, variants that disrupt this residue are likely to be causative of disease. This variant has been reported to affect the CRYGD protein function (PMID: 19382745, 10688888 ). This variant has been observed to segregate with congenital and juvenile onset cataract in families (PMID: 16446699, 9927684 ). This variant is also known as c.34C>T, p.R14C in the literature. ClinVar contains an entry for this variant (Variation ID: 16937). This variant is not present in population databases (ExAC no frequency). This sequence change replaces arginine with cysteine at codon 15 of the CRYGD protein (p.Arg15Cys). The arginine residue is highly conserved and there is a large physicochemical difference between arginine and cysteine.

OMIM
Classification: Pathogenic for CATARACT 4, PUNCTATE. Last evaluated: 2007-09-01. Review status: no assertion criteria provided. Collection method: literature only. Allele origin: germline. Not counted in ClinVar's aggregate classification.

Literature cited by the submitters: PubMed 19668596 (cited by Labcorp Genetics (formerly Invitae), Labcorp); PubMed 28450710 (cited by Labcorp Genetics (formerly Invitae), Labcorp); PubMed 19382745 (cited by Labcorp Genetics (formerly Invitae), Labcorp); PubMed 10688888 (cited by Labcorp Genetics (formerly Invitae), Labcorp); PubMed 16446699 (cited by Labcorp Genetics (formerly Invitae), Labcorp); PubMed 9927684 (cited by Labcorp Genetics (formerly Invitae), Labcorp and OMIM); PubMed 17724170 (cited by OMIM); PubMed 11371638 (cited by OMIM).

NM_006891.4(CRYGD):c.43C>T (p.Arg15Cys)

Genes: CRYGD (crystallin gamma D; minus strand), LOC100507443 (uncharacterized LOC100507443; plus strand). Cytogenetic location: 2q33.3.
Variant type: single nucleotide variant.
Coding change: c.43C>T on transcript NM_006891.4 (MANE Select); coding-DNA position 43, C replaced by T.
Protein change: p.Arg15Cys; replaces arginine 15 with cysteine.
Molecular consequence: missense variant.
Genome position (GRCh38, 1-based): chr2:208,124,321, G>A on the plus strand (C>T on the coding strand, the complement: CRYGD is on the minus strand). VCF-style: chr2-208124321-G-A. GRCh37 (hg19) VCF-style: chr2-208989045-G-A.
Other names: short protein forms R15C.
Identifiers: ClinVar variation 16937 (VCV000016937.12), dbSNP rs121909595, ClinGen allele CA214960.
Genomic context (GRCh38, chr2:208,124,321, plus strand): 5'-AGTTGCAGCGGCTCAAGTAGGGCTGCAGGTTGGGGTGGTCGCTGCTGCATTCATAGTGGC[G>A]GCCCTGGAAGCCCCGGTCCTCGTAGAGGGTGATCTGCAAGGCAAGGCGGGACAAGGCGAG-3'
Protein context (NP_008822.2, residues 5-25): TLYEDRGFQG[Arg15Cys]HYECSSDHPN